The following is an entry in ClinVar:

NM_194277.3(FRMD7):c.1849A>G (p.Ser617Gly)

Gene: FRMD7 (FERM domain containing 7; minus strand). Cytogenetic location: Xq26.2.
Variant type: single nucleotide variant.
Coding change: c.1849A>G on transcript NM_194277.3 (MANE Select); coding-DNA position 1849, A replaced by G.
Protein change: p.Ser617Gly; replaces serine 617 with glycine.
Molecular consequence: missense variant.
Genome position (GRCh38, 1-based): chrX:132,078,168, T>C on the plus strand (A>G on the coding strand, the complement: FRMD7 is on the minus strand). VCF-style: chrX-132078168-T-C. GRCh37 (hg19) VCF-style: chrX-131212196-T-C.
Other names: c.1804A>G, p.Ser602Gly (NM_001306193.2); short protein forms S602G, S617G.
Identifiers: ClinVar variation 2072762 (VCV002072762.4), dbSNP rs1043882590, ClinGen allele CA335857473.

ClinVar aggregate classification (germline): Uncertain significance (1 of 4 stars; one submission).

Allele frequency attached by ClinVar (database versions not stated): TOPMed 0.00001.

Submission:

Labcorp Genetics (formerly Invitae), Labcorp
Classification: Uncertain significance. Last evaluated: 2022-01-11. Review status: criteria provided, single submitter. Criteria: Invitae Variant Classification Sherloc (09022015). Collection method: clinical testing. Allele origin: germline.
Comment: Algorithms developed to predict the effect of missense changes on protein structure and function are either unavailable or do not agree on the potential impact of this missense change (SIFT: "Deleterious"; PolyPhen-2: "Benign"; Align-GVGD: "Class C0"). In summary, the available evidence is currently insufficient to determine the role of this variant in disease. Therefore, it has been classified as a Variant of Uncertain Significance. This variant has not been reported in the literature in individuals affected with FRMD7-related conditions. This sequence change replaces serine, which is neutral and polar, with glycine, which is neutral and non-polar, at codon 617 of the FRMD7 protein (p.Ser617Gly). This variant is not present in population databases (gnomAD no frequency).